The following is an entry in ClinVar:

ClinVar aggregate classification (germline): Likely benign. Review status: criteria provided, multiple submitters, no conflicts (2 of 4 stars). 2 submissions from 2 submitters: Likely benign (2). Last evaluated 2021-11-19.

Conditions:
Cardiomyopathy (CMYO). Also called: Cardiomyopathies. Identifiers: Orphanet 167848, MedGen C0878544, MONDO:0004994, HP:0001638. Inheritance: Various modes of inheritance.

Allele frequency attached by ClinVar (database versions not stated): gnomAD exomes below 0.00001.
gnomAD v4.1: 2 of 1,613,204 alleles (0.00012%); highest among the groups gnomAD compares: Non-Finnish European, 0.00017%; no homozygotes.

Submissions (2):

Color Diagnostics, LLC DBA Color Health
Classification: Likely benign for Cardiomyopathy. Last evaluated: 2021-11-19. Review status: criteria provided, single submitter. Criteria: ACMG Guidelines, 2015. Collection method: clinical testing. Allele origin: germline.

Laboratory for Molecular Medicine, Mass General Brigham Personalized Medicine
Classification: Likely benign. Last evaluated: 2012-07-06. Review status: criteria provided, single submitter. Criteria: LMM Criteria. Collection method: clinical testing. Allele origin: germline. Observed: 1 variant allele.
Comment: Asp1375Asp in exon 31 of RYR2: This variant is not expected to have clinical sig nificance because it does not alter an amino acid residue and is not located wit hin the splice consensus sequence. Asp1375Asp in exon 31 of RYR2 (allele freque ncy = n/a)

NM_001035.3(RYR2):c.4125T>C (p.Asp1375=)

Genes: RYR2 (ryanodine receptor 2; plus strand), LOC126806067 (BRD4-independent group 4 enhancer GRCh37_chr1:237753258-237754457; plus strand). Cytogenetic location: 1q43.
Variant type: single nucleotide variant.
Coding change: c.4125T>C on transcript NM_001035.3 (MANE Select); coding-DNA position 4125, T replaced by C.
Protein change: p.Asp1375=; no amino-acid change (aspartic acid 1375 retained).
Molecular consequence: synonymous variant.
Genome position (GRCh38, 1-based): chr1:237,590,957, T>C. VCF-style: chr1-237590957-T-C. GRCh37 (hg19) VCF-style: chr1-237754257-T-C.
Identifiers: ClinVar variation 43779 (VCV000043779.7), dbSNP rs397516529, ClinGen allele CA009464.